The following is an entry in ClinVar:

ClinVar aggregate classification (germline): Likely benign. Review status: criteria provided, multiple submitters, no conflicts (2 of 4 stars). 3 submissions from 3 submitters: Likely benign (2). 1 of the submissions does not count toward it. Last evaluated 2026-02-02.

Conditions:
SKIC2-related disorder. Also called: SKIC2-related condition.

Allele frequency attached by ClinVar (database versions not stated): gnomAD exomes 0.00002 and 0.00005; ExAC 0.00003; TOPMed 0.00003; gnomAD 0.00004.
gnomAD v4.1: 79 of 1,613,328 alleles (0.0049%); highest among the groups gnomAD compares: Admixed American, 0.0083%; 1 homozygote.

Submissions (3):

Labcorp Genetics (formerly Invitae), Labcorp
Classification: Likely benign. Last evaluated: 2026-02-02. Review status: criteria provided, single submitter. Criteria: Invitae Variant Classification Sherloc (09022015). Collection method: clinical testing. Allele origin: germline.

Blueprint Genetics
Classification: Likely benign. Last evaluated: 2024-02-05. Review status: criteria provided, single submitter. Criteria: ACMG Guidelines, 2015. Collection method: clinical testing. Allele origin: germline.

PreventionGenetics, part of Exact Sciences
Classification: Likely benign for SKIC2-related condition. Last evaluated: 2024-07-28. Review status: no assertion criteria provided. Collection method: clinical testing. Allele origin: germline. Not counted in ClinVar's aggregate classification.
Comment: This variant is classified as likely benign based on ACMG/AMP sequence variant interpretation guidelines (Richards et al. 2015 PMID: 25741868, with internal and published modifications).

NM_006929.5(SKIC2):c.300C>T (p.Ser100=)

Gene: SKIC2 (SKI2 subunit of superkiller complex; plus strand). Cytogenetic location: 6p21.33.
Variant type: single nucleotide variant.
Coding change: c.300C>T on transcript NM_006929.5 (MANE Select); coding-DNA position 300, C replaced by T.
Protein change: p.Ser100=; no amino-acid change (serine 100 retained).
Molecular consequence: synonymous variant.
Genome position (GRCh38, 1-based): chr6:31,960,283, C>T. VCF-style: chr6-31960283-C-T. GRCh37 (hg19) VCF-style: chr6-31928060-C-T.
Other names: c.300C>T (NM_006929.4).
Identifiers: ClinVar variation 1589942 (VCV001589942.11), dbSNP rs766457865, ClinGen allele CA3729108.
Genomic context (GRCh38, chr6:31,960,283, plus strand): 5'-ATGGCAGAGGAAGACGGATCCCTGGTCTCTTTTGGCTGTCCTGGGAGCCCCAGTCCCATC[C>T]GACCTACAGGCCCAAAGACACCCAACCACAGGCCAGATACTGGGTTACAAAGAGGTAGGA-3'
Protein context (NP_008860.4, residues 90-110): LLAVLGAPVP[Ser100=]DLQAQRHPTT